The following is an entry in ClinVar:

ClinVar aggregate classification (germline): Benign/Likely benign. Review status: criteria provided, multiple submitters, no conflicts (2 of 4 stars). 5 submissions from 5 submitters: Benign (1); Likely benign (3). 1 of the submissions does not count toward it. Last evaluated 2026-02-01.

Conditions:
Supravalvar aortic stenosis (SVAS). Also called: Supravalvar aortic stenosis, Eisenberg type. Identifiers: Orphanet 3193, MedGen C0003499, MONDO:0008504, OMIM 185500, HP:0004381.
ELN-related disorder.

Allele frequency attached by ClinVar (database versions not stated): gnomAD 0.00021 and 0.00019; TOPMed 0.00027; 1000 Genomes Project 30x 0.00031; gnomAD exomes 0.00016 and 0.00040; 1000 Genomes Project 0.00020; ExAC 0.00043.
gnomAD v4.1: 286 of 1,602,510 alleles (0.018%); highest among the groups gnomAD compares: Admixed American, 0.096%; no homozygotes.

Submissions (5):

Labcorp Genetics (formerly Invitae), Labcorp
Classification: Benign for Supravalvar aortic stenosis. Last evaluated: 2026-02-01. Review status: criteria provided, single submitter. Criteria: Invitae Variant Classification Sherloc (09022015). Collection method: clinical testing. Allele origin: germline.

Blueprint Genetics
Classification: Likely benign. Last evaluated: 2024-05-13. Review status: criteria provided, single submitter. Criteria: ACMG Guidelines, 2015. Collection method: clinical testing. Allele origin: germline.

GeneDx
Classification: Likely benign. Last evaluated: 2020-12-01. Review status: criteria provided, single submitter. Criteria: GeneDx Variant Classification Process June 2021. Collection method: clinical testing. Allele origin: germline. Affected: yes.

Breakthrough Genomics
Classification: Likely benign. Review status: criteria provided, single submitter. Criteria: ACMG Guidelines, 2015. Collection method: not provided. Allele origin: germline. Inheritance: Autosomal dominant inheritance. Affected: yes.

PreventionGenetics, part of Exact Sciences
Classification: Likely benign for ELN-related condition. Last evaluated: 2020-05-22. Review status: no assertion criteria provided. Collection method: clinical testing. Allele origin: germline. Not counted in ClinVar's aggregate classification.
Comment: This variant is classified as likely benign based on ACMG/AMP sequence variant interpretation guidelines (Richards et al. 2015 PMID: 25741868, with internal and published modifications).

NM_000501.4(ELN):c.1747+83C>T

Genes: ELN (elastin; plus strand), ELN-AS1 (ELN antisense RNA 1; minus strand). Cytogenetic location: 7q11.23.
Variant type: single nucleotide variant.
Coding change: c.1747+83C>T on transcript NM_000501.4 (MANE Select); 83 bases into the intron after coding-DNA position 1747, C replaced by T.
Molecular consequence: intron variant. On other transcripts: synonymous variant (1).
Genome position (GRCh38, 1-based): chr7:74,060,584, C>T. VCF-style: chr7-74060584-C-T. GRCh37 (hg19) VCF-style: chr7-73474914-C-T.
Other names: c.1917C>T, p.Thr639= (NM_001278939.2); c.1762+83C>T (NM_001081754.3); c.1705+83C>T (NM_001081753.3); c.1765+83C>T (NM_001278915.2); c.1747+83C>T (NM_001278912.2); c.1690+83C>T (NM_001081755.3); c.1603+83C>T (NM_001278916.2); c.1504+83C>T (NM_001278913.2); and 4 more.
Identifiers: ClinVar variation 696586 (VCV000696586.17), dbSNP rs191593990, ClinGen allele CA4293190.
Genomic context (GRCh38, chr7:74,060,584, plus strand): 5'-GAGCCTGTCCCCTGAGCTCAGGGAAGGAGATCCCTCCTCCTCTCAGCACCTCCCCAGCAC[C>T]CCCTCATCACCCAGGGGTGCATAGTAAAATCCTTGTTAGGTTCTCCTAAGCATCTGGGGG-3'